The following is an entry in ClinVar:

NM_182493.3(MYLK3):c.1138C>G (p.Arg380Gly)

Gene: MYLK3 (myosin light chain kinase 3; minus strand). Cytogenetic location: 16q11.2.
Variant type: single nucleotide variant.
Coding change: c.1138C>G on transcript NM_182493.3 (MANE Select); coding-DNA position 1138, C replaced by G.
Protein change: p.Arg380Gly; replaces arginine 380 with glycine.
Molecular consequence: missense variant.
Genome position (GRCh38, 1-based): chr16:46,732,532, G>C on the plus strand (C>G on the coding strand, the complement: MYLK3 is on the minus strand). VCF-style: chr16-46732532-G-C. GRCh37 (hg19) VCF-style: chr16-46766444-G-C.
Other names: c.115C>G, p.Arg39Gly (NM_001308301.1); short protein forms R380G, R39G.
Identifiers: ClinVar variation 2957400 (VCV002957400.3), dbSNP rs771870674, ClinGen allele CA8038066.

ClinVar aggregate classification (germline): Uncertain significance (1 of 4 stars; one submission).

Submission:

Labcorp Genetics (formerly Invitae), Labcorp
Classification: Uncertain significance. Last evaluated: 2024-09-12. Review status: criteria provided, single submitter. Criteria: Invitae Variant Classification Sherloc (09022015). Collection method: clinical testing. Allele origin: germline.
Comment: This sequence change replaces arginine, which is basic and polar, with glycine, which is neutral and non-polar, at codon 380 of the MYLK3 protein (p.Arg380Gly). This variant is present in population databases (rs771870674, gnomAD 0.06%), and has an allele count higher than expected for a pathogenic variant. This variant has not been reported in the literature in individuals affected with MYLK3-related conditions. An algorithm developed to predict the effect of missense changes on protein structure and function outputs the following: PolyPhen-2: "Benign". The glycine amino acid residue is found in multiple mammalian species, which suggests that this missense change does not adversely affect protein function. In summary, the available evidence is currently insufficient to determine the role of this variant in disease. Therefore, it has been classified as a Variant of Uncertain Significance.